The following is an entry in ClinVar:

NM_006642.5(SDCCAG8):c.1592C>G (p.Ser531Cys)

Gene: SDCCAG8 (SHH signaling and ciliogenesis regulator SDCCAG8; plus strand). Cytogenetic location: 1q43.
Variant type: single nucleotide variant.
Coding change: c.1592C>G on transcript NM_006642.5 (MANE Select); coding-DNA position 1592, C replaced by G.
Protein change: p.Ser531Cys; replaces serine 531 with cysteine.
Molecular consequence: missense variant.
Genome position (GRCh38, 1-based): chr1:243,378,839, C>G. VCF-style: chr1-243378839-C-G. GRCh37 (hg19) VCF-style: chr1-243542141-C-G.
Other names: c.689C>G, p.Ser230Cys (NM_001350246.2, NM_001350247.2, NM_001350251.2); c.1688C>G, p.Ser563Cys (NM_001350248.2); c.1298C>G, p.Ser433Cys (NM_001350249.2); short protein forms S230C, S531C, S433C, S563C.
Identifiers: ClinVar variation 4630401 (VCV004630401.2).
Genomic context (GRCh38, chr1:243,378,839, plus strand): 5'-AGCAGAAGGCAGCCCTGGCCAGAGAGGAGTGCCTGAGACTAACAGAACTGCTGGGCGAAT[C>G]TGAGCACCAACTGCACCTCACCAGGTACTCCCTAATCCCATTATGCGCCATAGCACCGAT-3'
Protein context (NP_006633.1, residues 521-541): CLRLTELLGE[Ser531Cys]EHQLHLTRQE

ClinVar aggregate classification (germline): Uncertain significance. Review status: criteria provided, multiple submitters, no conflicts (2 of 4 stars). 2 submissions from 2 submitters: Uncertain significance (2). Last evaluated 2025-12-07.

Conditions:
SDCCAG8-related disorder. Also called: SDCCAG8-Related Disorders; SDCCAG8-related condition.
Inborn genetic diseases. Identifiers: MedGen C0950123, MeSH D030342.

Submissions (2):

PreventionGenetics, part of Exact Sciences
Classification: Uncertain significance for SDCCAG8-related condition. Last evaluated: 2025-12-07. Review status: criteria provided, single submitter. Criteria: ACMG Guidelines, 2015. Collection method: clinical testing. Allele origin: germline.
Comment: The SDCCAG8 c.1592C>G variant is predicted to result in the amino acid substitution p.Ser531Cys. To our knowledge, this variant has not been reported in the literature or in a large population database (gnomAD), indicating this variant is rare. At this time, the clinical significance of this variant is uncertain due to the absence of conclusive functional and genetic evidence.

Ambry Genetics
Classification: Uncertain significance for Inborn genetic diseases. Last evaluated: 2025-11-06. Review status: criteria provided, single submitter. Criteria: Ambry Variant Classification Scheme 2023. Collection method: clinical testing. Allele origin: germline.